The following is an entry in ClinVar:

ClinVar aggregate classification (somatic clinical impact): Tier II - Potential (1 of 4 stars; one submission).

Conditions:
Pilocytic astrocytoma. Also called: Pilocytic astrocytoma, somatic. Identifiers: Orphanet 251612, MedGen C0334583, MONDO:0016691, HP:0033680.

Submission:

Institute for Genomic Medicine (IGM) Clinical Laboratory, Nationwide Children's Hospital
Classification: Tier II - Potential for Pilocytic astrocytoma. Assertion type: diagnostic. Clinical significance: supports diagnosis. Last evaluated: 2023-04-14. Review status: criteria provided, single submitter. Criteria: AMP/ASCO/CAP Guidelines, 2017. Collection method: clinical testing. Allele origin: somatic. Affected: yes.
Comment: Variant has Tier II (potential) clinical significance as a diagnostic inclusion criterion in pilocytic astrocytoma, based on the following evidence: 1) Assists in diagnosis alone or along with other biomarkers based on small studies or few case reports (Evidence Level D; PMID: 36854806).

Literature cited by the submitters: PubMed 36854806.

NM_004380.3(CREBBP):c.5125_5134del (p.Glu1709fs)

Gene: CREBBP (CREB binding lysine acetyltransferase; minus strand). Cytogenetic location: 16p13.3.
Variant type: Deletion.
Coding change: c.5125_5134del on transcript NM_004380.3 (MANE Select); coding-DNA positions 5125 to 5134, 10 bases deleted (GAGTGCAAGC; older notation c.5125_5134delGAGTGCAAGC).
Protein change: p.Glu1709fs; shifts the reading frame from glutamic acid 1709.
Molecular consequence: frameshift variant.
Genome position (GRCh38, 1-based): chr16:3,731,230-3,731,239, GCTTGCACTC deleted on the plus strand (GAGTGCAAGC on the coding strand, the reverse complement: CREBBP is on the minus strand); deleting any 10 consecutive bases within chr16:3,731,230-3,731,240 gives the same sequence; the c. name uses the placement nearest the transcript's 3' end. VCF-style (leftmost placement, unchanged base first): chr16-3731229-TGCTTGCACTC-T. GRCh37 (hg19) VCF-style: chr16-3781230-TGCTTGCACTC-T.
Other names: c.5011_5020del, p.Glu1671fs (NM_001079846.1); short protein forms E1671fs, E1709fs.
Identifiers: ClinVar variation 4530111 (VCV004530111.1).